The following is an entry in ClinVar:

NM_000179.3(MSH6):c.3647-15A>G

Gene: MSH6 (mutS homolog 6; plus strand). Cytogenetic location: 2p16.3.
Variant type: single nucleotide variant.
Coding change: c.3647-15A>G on transcript NM_000179.3 (MANE Select); 15 bases into the intron before coding-DNA position 3647, A replaced by G.
Molecular consequence: intron variant.
Genome position (GRCh38, 1-based): chr2:47,806,189, A>G. VCF-style: chr2-47806189-A-G. GRCh37 (hg19) VCF-style: chr2-48033328-A-G.
Other names: c.2741-15A>G (NM_001281493.2, NM_001281494.2); c.3257-15A>G (NM_001281492.2).
Identifiers: ClinVar variation 218066 (VCV000218066.18), dbSNP rs371171254, ClinGen allele CA210428.

ClinVar aggregate classification (germline): Likely benign. Review status: criteria provided, multiple submitters, no conflicts (2 of 4 stars). 5 submissions from 5 submitters: Likely benign (4). 1 of the submissions does not count toward it. Last evaluated 2025-01-07.

Conditions:
Hereditary nonpolyposis colorectal neoplasms. Identifiers: MedGen C0009405, MeSH D003123.
Hereditary cancer-predisposing syndrome. Also called: Hereditary Cancer Syndrome; Hereditary neoplastic syndrome; Neoplastic Syndromes, Hereditary; Tumor predisposition. Identifiers: Orphanet 140162, MedGen C0027672, MeSH D009386, MONDO:0015356.
Lynch syndrome. Identifiers: Orphanet 144, MedGen C4552100, MONDO:0005835. Disease mechanism: loss of function.
Lynch syndrome 5 (LYNCH5). Also called: Hereditary non-polyposis colorectal cancer, type 5; Colorectal cancer, hereditary nonpolyposis, type 5. Identifiers: Orphanet 144, MedGen C1833477, MONDO:0013710, OMIM 614350. Disease mechanism: loss of function.

Allele frequency attached by ClinVar (database versions not stated): gnomAD exomes below 0.00001; TOPMed below 0.00001; ESP Exome Variant Server 0.00008.
gnomAD v4.1: 2 of 1,612,972 alleles (0.00012%); highest among the groups gnomAD compares: Admixed American, 0.0017%; no homozygotes.

Submissions (5):

Myriad Genetics, Inc.
Classification: Likely benign for Lynch syndrome 5. Last evaluated: 2025-01-07. Review status: criteria provided, single submitter. Criteria: Myriad Autosomal Dominant, Autosomal Recessive and X-Linked Classification Criteria (2023). Collection method: clinical testing. Allele origin: unknown.
Comment: This variant is considered likely benign. This variant is intronic and is not expected to impact mRNA splicing.

Labcorp Genetics (formerly Invitae), Labcorp
Classification: Likely benign for Hereditary nonpolyposis colorectal neoplasms. Last evaluated: 2023-10-28. Review status: criteria provided, single submitter. Criteria: Invitae Variant Classification Sherloc (09022015). Collection method: clinical testing. Allele origin: germline.

All of Us Research Program, National Institutes of Health
Classification: Likely benign for Lynch syndrome. Last evaluated: 2023-06-08. Review status: criteria provided, single submitter. Criteria: ACMG Guidelines, 2015. Collection method: clinical testing. Allele origin: germline. Inheritance: Autosomal dominant inheritance. Observed: 1 variant allele, 1 heterozygote.
Comment: This study involves interpretation of variants in research participants for the purpose of population health screening. Participant phenotype was not available at the time of variant classification. Additional details can be found in publication PMID: 35346344, PMCID: PMC8962531

Color Diagnostics, LLC DBA Color Health
Classification: Likely benign for Hereditary cancer-predisposing syndrome. Last evaluated: 2023-05-24. Review status: criteria provided, single submitter. Criteria: ACMG Guidelines, 2015. Collection method: clinical testing. Allele origin: germline.

Mayo Clinic Laboratories, Mayo Clinic
Classification: Uncertain significance. Review status: no assertion criteria provided. Collection method: research. Allele origin: unknown. Observed: 1 variant allele. Not counted in ClinVar's aggregate classification.